The following is an entry in ClinVar:

ClinVar aggregate classification (germline): Pathogenic. Review status: criteria provided, multiple submitters, no conflicts (2 of 4 stars). 2 submissions from 2 submitters: Pathogenic (2). Last evaluated 2024-12-17.

Conditions:
Alstrom syndrome (ALMS). Identifiers: Orphanet 64, MedGen C0268425, MONDO:0008763, OMIM 203800.

Allele frequency attached by ClinVar (database versions not stated): gnomAD exomes 0.00001.
gnomAD v4.1: 3 of 1,612,976 alleles (0.00019%); highest among the groups gnomAD compares: Non-Finnish European, 0.00025%; no homozygotes.

Submissions (2):

Natera, Inc.
Classification: Pathogenic for Alstrom syndrome. Last evaluated: 2024-12-17. Review status: criteria provided, single submitter. Criteria: Natera Variant Classification Schema (03/2026). Collection method: clinical testing. Allele origin: germline.
Comment: The c.4213G>T variant in ALMS1 is a nonsense variant predicted to introduce a stop codon at amino acid 1405. This variant is expected to result in nonsense mediated decay, truncation, or a dysfunctional protein product. This variant is rare in the general population with a frequency below the threshold expected for the associated phenotype(s). This variant has been observed in one or more individuals affected with the associated recessive disease, as either homozygous or compound heterozygous with a second variant (PMID: 28112973). Given the available evidence, this variant is classified as Pathogenic.

Labcorp Genetics (formerly Invitae), Labcorp
Classification: Pathogenic for Alstrom syndrome. Last evaluated: 2023-06-07. Review status: criteria provided, single submitter. Criteria: Invitae Variant Classification Sherloc (09022015). Collection method: clinical testing. Allele origin: germline.
Comment: This sequence change creates a premature translational stop signal (p.Glu1405*) in the ALMS1 gene. It is expected to result in an absent or disrupted protein product. Loss-of-function variants in ALMS1 are known to be pathogenic (PMID: 17594715). This variant is not present in population databases (gnomAD no frequency). This premature translational stop signal has been observed in individual(s) with Alstrom syndrome (PMID: 25846608). ClinVar contains an entry for this variant (Variation ID: 1071883). For these reasons, this variant has been classified as Pathogenic.

Literature cited by the submitters: PubMed 28112973 (cited by Natera, Inc.); PubMed 17594715 (cited by Labcorp Genetics (formerly Invitae), Labcorp); PubMed 25846608 (cited by Labcorp Genetics (formerly Invitae), Labcorp).

NM_001378454.1(ALMS1):c.4210G>T (p.Glu1404Ter)

Gene: ALMS1 (ALMS1 centrosome and basal body associated protein; plus strand). Cytogenetic location: 2p13.1.
Variant type: single nucleotide variant.
Coding change: c.4210G>T on transcript NM_001378454.1 (MANE Select); coding-DNA position 4210, G replaced by T.
Protein change: p.Glu1404Ter; replaces glutamic acid 1404 with a stop codon.
Molecular consequence: nonsense.
Genome position (GRCh38, 1-based): chr2:73,450,737, G>T. VCF-style: chr2-73450737-G-T. GRCh37 (hg19) VCF-style: chr2-73677864-G-T.
Other names: c.4213G>T, p.Glu1405Ter (NM_015120.4); short protein forms E1404*, E1405*.
Identifiers: ClinVar variation 1071883 (VCV001071883.10), dbSNP rs2103781864, ClinGen allele CA347277741.